The following is an entry in ClinVar:

NM_006361.6(HOXB13):c.666G>C (p.Pro222=)

Gene: HOXB13 (homeobox B13; minus strand). Cytogenetic location: 17q21.32.
Variant type: single nucleotide variant.
Coding change: c.666G>C on transcript NM_006361.6 (MANE Select); coding-DNA position 666, G replaced by C.
Protein change: p.Pro222=; no amino-acid change (proline 222 retained).
Molecular consequence: synonymous variant.
Genome position (GRCh38, 1-based): chr17:48,726,979, C>G on the plus strand (G>C on the coding strand, the complement: HOXB13 is on the minus strand). VCF-style: chr17-48726979-C-G. GRCh37 (hg19) VCF-style: chr17-46804341-C-G.
Identifiers: ClinVar variation 826545 (VCV000826545.14), dbSNP rs1230526859, ClinGen allele CA500501055.
Genomic context (GRCh38, chr17:48,726,979, plus strand): 5'-GGTGATGAACTTGTTAGCCGCATACTCCCGCTCCAGCTCCCGCAACTGCCCCTTGCTGTA[C>G]GGAATGCGTTTCTTGCGGCCGCGACGAAAGGCGCAGGCGTCAGGAGGGTGCTGCCCGCTG-3'
Protein context (NP_006352.2, residues 212-232): AFRRGRKKRI[Pro222=]YSKGQLRELE

ClinVar aggregate classification (germline): Benign/Likely benign. Review status: criteria provided, multiple submitters, no conflicts (2 of 4 stars). 3 submissions from 3 submitters: Benign (1); Likely benign (2). Last evaluated 2024-10-30.

Conditions:
Hereditary cancer-predisposing syndrome. Also called: Neoplastic Syndromes, Hereditary; Tumor predisposition; Hereditary neoplastic syndrome; Hereditary Cancer Syndrome. Identifiers: Orphanet 140162, MedGen C0027672, MeSH D009386, MONDO:0015356.
Prostate cancer, hereditary, 9 (HPC9). Identifiers: Orphanet 1331, MedGen C1970250, MONDO:0012597, OMIM 610997.

Submissions (3):

Myriad Genetics, Inc.
Classification: Benign for Prostate cancer, hereditary, 9. Last evaluated: 2024-10-30. Review status: criteria provided, single submitter. Criteria: Myriad Autosomal Dominant, Autosomal Recessive and X-Linked Classification Criteria (2023). Collection method: clinical testing. Allele origin: unknown.
Comment: This variant is considered benign. This variant is a silent/synonymous amino acid change and it is not expected to impact splicing.

Labcorp Genetics (formerly Invitae), Labcorp
Classification: Likely benign. Last evaluated: 2024-04-29. Review status: criteria provided, single submitter. Criteria: Invitae Variant Classification Sherloc (09022015). Collection method: clinical testing. Allele origin: germline.

Ambry Genetics
Classification: Likely benign for Hereditary cancer-predisposing syndrome. Last evaluated: 2019-11-11. Review status: criteria provided, single submitter. Criteria: Ambry Variant Classification Scheme 2023. Collection method: clinical testing. Allele origin: germline.